The following is an entry in ClinVar:

ClinVar aggregate classification (germline): Uncertain significance (1 of 4 stars; one submission).

Conditions:
LAMA2-related muscular dystrophy (LAMA2-RD). Also called: Laminin alpha 2-related dystrophy. Identifiers: MedGen C5679788, MONDO:0100228.

Submission:

Labcorp Genetics (formerly Invitae), Labcorp
Classification: Uncertain significance for LAMA2-related muscular dystrophy. Last evaluated: 2022-01-18. Review status: criteria provided, single submitter. Criteria: Invitae Variant Classification Sherloc (09022015). Collection method: clinical testing. Allele origin: germline.
Comment: This sequence change replaces leucine, which is neutral and non-polar, with phenylalanine, which is neutral and non-polar, at codon 2589 of the LAMA2 protein (p.Leu2589Phe). This variant is not present in population databases (gnomAD no frequency). This variant has not been reported in the literature in individuals affected with LAMA2-related conditions. Advanced modeling of protein sequence and biophysical properties (such as structural, functional, and spatial information, amino acid conservation, physicochemical variation, residue mobility, and thermodynamic stability) performed at Invitae indicates that this missense variant is not expected to disrupt LAMA2 protein function. In summary, the available evidence is currently insufficient to determine the role of this variant in disease. Therefore, it has been classified as a Variant of Uncertain Significance.

NM_000426.4(LAMA2):c.7765C>T (p.Leu2589Phe)

Gene: LAMA2 (laminin subunit alpha 2; plus strand). Cytogenetic location: 6q22.33.
Variant type: single nucleotide variant.
Coding change: c.7765C>T on transcript NM_000426.4 (MANE Select); coding-DNA position 7765, C replaced by T.
Protein change: p.Leu2589Phe; replaces leucine 2589 with phenylalanine.
Molecular consequence: missense variant.
Genome position (GRCh38, 1-based): chr6:129,486,489, C>T. VCF-style: chr6-129486489-C-T. GRCh37 (hg19) VCF-style: chr6-129807634-C-T.
Other names: c.7753C>T, p.Leu2585Phe (NM_001079823.2); short protein forms L2585F, L2589F.
Identifiers: ClinVar variation 1955607 (VCV001955607.2), dbSNP rs1466551642, ClinGen allele CA365629039.